The following is an entry in ClinVar:

ClinVar aggregate classification (germline): Uncertain significance (1 of 4 stars; one submission).

gnomAD v4.1: 2 of 1,613,858 alleles (0.00012%); highest among the groups gnomAD compares: African/African-American, 0.0027%; no homozygotes.

Submission:

Labcorp Genetics (formerly Invitae), Labcorp
Classification: Uncertain significance. Last evaluated: 2025-08-26. Review status: criteria provided, single submitter. Criteria: Invitae Variant Classification Sherloc (09022015). Collection method: clinical testing. Allele origin: germline.
Comment: This sequence change replaces valine, which is neutral and non-polar, with alanine, which is neutral and non-polar, at codon 119 of the TUBB1 protein (p.Val119Ala). This variant is present in population databases (no rsID available, gnomAD 0.01%). This variant has not been reported in the literature in individuals affected with TUBB1-related conditions. Invitae Evidence Modeling of protein sequence and biophysical properties (such as structural, functional, and spatial information, amino acid conservation, physicochemical variation, residue mobility, and thermodynamic stability) indicates that this missense variant is not expected to disrupt TUBB1 protein function with a negative predictive value of 80%. In summary, the available evidence is currently insufficient to determine the role of this variant in disease. Therefore, it has been classified as a Variant of Uncertain Significance.

NM_030773.4(TUBB1):c.356T>C (p.Val119Ala)

Gene: TUBB1 (tubulin beta 1 class VI; plus strand). Cytogenetic location: 20q13.32.
Variant type: single nucleotide variant.
Coding change: c.356T>C on transcript NM_030773.4 (MANE Select); coding-DNA position 356, T replaced by C.
Protein change: p.Val119Ala; replaces valine 119 with alanine.
Molecular consequence: missense variant.
Genome position (GRCh38, 1-based): chr20:59,023,783, T>C. VCF-style: chr20-59023783-T-C. GRCh37 (hg19) VCF-style: chr20-57598838-T-C.
Other names: short protein forms V119A.
Identifiers: ClinVar variation 4767098 (VCV004767098.1).